The following is an entry in ClinVar:

ClinVar aggregate classification (germline): Likely pathogenic. Review status: criteria provided, multiple submitters, no conflicts (2 of 4 stars). 2 submissions from 2 submitters: Likely pathogenic (2). Last evaluated 2025-09-30.

Conditions:
Neurodevelopmental disorder. Identifiers: MedGen C1535926, MeSH D065886, MONDO:0700092.

Submissions (2):

GeneDx
Classification: Likely pathogenic. Last evaluated: 2025-09-30. Review status: criteria provided, single submitter. Criteria: GeneDx Variant Classification Process June 2021. Collection method: clinical testing. Allele origin: germline.
Comment: Not observed at significant frequency in large population cohorts (gnomAD); In silico analysis supports that this missense variant has a deleterious effect on protein structure/function; This variant is associated with the following publications: (PMID: 37500730, 37531237, 37551667)

Laboratory of Molecular Genetics (Pr. Bezieau's lab), CHU de Nantes
Classification: Likely pathogenic for Neurodevelopmental disorder. Last evaluated: 2020-08-03. Review status: criteria provided, single submitter. Criteria: ACMG Guidelines, 2015. Collection method: clinical testing. Allele origin: germline. Affected: yes.

NM_001330288.2(SMARCC2):c.230C>T (p.Pro77Leu)

Gene: SMARCC2 (SWI/SNF related BAF chromatin remodeling complex subunit C2; minus strand). Cytogenetic location: 12q13.2.
Variant type: single nucleotide variant.
Coding change: c.230C>T on transcript NM_001330288.2 (MANE Select); coding-DNA position 230, C replaced by T.
Protein change: p.Pro77Leu; replaces proline 77 with leucine.
Molecular consequence: missense variant.
Genome position (GRCh38, 1-based): chr12:56,187,188, G>A on the plus strand (C>T on the coding strand, the complement: SMARCC2 is on the minus strand). VCF-style: chr12-56187188-G-A. GRCh37 (hg19) VCF-style: chr12-56580972-G-A.
Other names: c.230C>T, p.Pro77Leu (NM_001130420.3, NM_003075.5, NM_139067.4); short protein forms P77L.
Identifiers: ClinVar variation 1064822 (VCV001064822.3), dbSNP rs1877425899, ClinGen allele CA385267064.
Genomic context (GRCh38, chr12:56,187,188, plus strand): 5'-TTCAGTTTGAAGGATTCACCACCACCACCCCCCACCCTCCCTGCTACTTCTGCACTCACC[G>A]GCAGTTTAGTGAGCGGTGCATTGCTGACATGTTTGCCAAAAACTTCTTCCTGAAATTGTA-3'
Protein context (NP_001317217.1, residues 67-87): HVSNAPLTKL[Pro77Leu]IKCFLDFKAG